The following is an entry in ClinVar:

ClinVar aggregate classification (germline): Likely pathogenic (1 of 4 stars; one submission).

Submission:

Labcorp Genetics (formerly Invitae), Labcorp
Classification: Likely pathogenic. Last evaluated: 2022-09-19. Review status: criteria provided, single submitter. Criteria: Invitae Variant Classification Sherloc (09022015). Collection method: clinical testing. Allele origin: germline.
Comment: This sequence change affects a donor splice site in intron 5 of the GPAA1 gene. It is expected to disrupt RNA splicing. Variants that disrupt the donor or acceptor splice site typically lead to a loss of protein function (PMID: 16199547), and loss-of-function variants in GPAA1 are known to be pathogenic (PMID: 29100095). This variant is not present in population databases (gnomAD no frequency). This variant has not been reported in the literature in individuals affected with GPAA1-related conditions. ClinVar contains an entry for this variant (Variation ID: 1474766). Algorithms developed to predict the effect of sequence changes on RNA splicing suggest that this variant may disrupt the consensus splice site. In summary, the currently available evidence indicates that the variant is pathogenic, but additional data are needed to prove that conclusively. Therefore, this variant has been classified as Likely Pathogenic.

Literature cited by the submitters: PubMed 16199547; PubMed 29100095.

NM_003801.4(GPAA1):c.616+1G>C

Gene: GPAA1 (glycosylphosphatidylinositol anchor attachment 1; plus strand). Cytogenetic location: 8q24.3.
Variant type: single nucleotide variant.
Coding change: c.616+1G>C on transcript NM_003801.4 (MANE Select); the canonical splice donor site of the intron after coding-DNA position 616, G replaced by C.
Molecular consequence: splice donor variant.
Genome position (GRCh38, 1-based): chr8:144,084,041, G>C. VCF-style: chr8-144084041-G-C. GRCh37 (hg19) VCF-style: chr8-145138944-G-C.
Identifiers: ClinVar variation 1474766 (VCV001474766.8), dbSNP rs1554763955, ClinGen allele CA372599927.